The following is an entry in ClinVar:

ClinVar aggregate classification (germline): Pathogenic (1 of 4 stars; one submission).

gnomAD v4.1: 1 of 1,611,686 alleles (0.000062%); highest among the groups gnomAD compares: Non-Finnish European, 0.000085%; no homozygotes.

Submission:

GeneDx
Classification: Pathogenic. Last evaluated: 2020-07-13. Review status: criteria provided, single submitter. Criteria: GeneDx Variant Classification Process June 2021. Collection method: clinical testing. Allele origin: germline. Affected: yes.
Comment: Nonsense variant predicted to result in protein truncation or nonsense mediated decay in a gene for which loss-of-function is a known mechanism of disease; Not observed in large population cohorts (Lek et al., 2016); Has not been previously published as pathogenic or benign to our knowledge

NM_001139.3(ALOX12B):c.759C>A (p.Tyr253Ter)

Genes: ALOX12B (arachidonate 12-lipoxygenase, 12R type; minus strand), LOC130060196 (ATAC-STARR-seq lymphoblastoid active region 11660; plus strand). Cytogenetic location: 17p13.1.
Variant type: single nucleotide variant.
Coding change: c.759C>A on transcript NM_001139.3 (MANE Select); coding-DNA position 759, C replaced by A.
Protein change: p.Tyr253Ter; replaces tyrosine 253 with a stop codon.
Molecular consequence: nonsense.
Genome position (GRCh38, 1-based): chr17:8,079,937, G>T on the plus strand (C>A on the coding strand, the complement: ALOX12B is on the minus strand). VCF-style: chr17-8079937-G-T. GRCh37 (hg19) VCF-style: chr17-7983255-G-T.
Other names: short protein forms Y253*.
Identifiers: ClinVar variation 1191903 (VCV001191903.2), dbSNP rs2151823018, ClinGen allele CA397994611.
Genomic context (GRCh38, chr17:8,079,937, plus strand): 5'-GTTGACGCCGTTGAGGTACTGGTACCCAAAGAAGGTGTCCTCTGCCCAGTGCTCGGCCAC[G>T]TACTCTGCGAGGACGGCGCGAGGGCGTCACAAGGAGGCCCGGCCCCCCTCGGGGACGGAG-3'